The following is an entry in ClinVar:

ClinVar aggregate classification (germline): Likely pathogenic (1 of 4 stars; one submission).

Conditions:
Mucopolysaccharidosis, MPS-IV-B (MPS4B). Also called: MORQUIO SYNDROME B; Mucopolysaccharidosis type 4B; Mucopolysaccharidosis type IVB (Morquio); MPS IVB; Mucopolysaccharidosis type IV B; Mucopolysaccharidosis Type IVB. Identifiers: Orphanet 309310, Orphanet 582, MedGen C0086652, MONDO:0009660, OMIM 253010.

Submission:

Natera, Inc.
Classification: Likely pathogenic for Mucopolysaccharidosis, MPS-IV-B. Last evaluated: 2024-08-24. Review status: criteria provided, single submitter. Criteria: Natera Variant Classification Schema (03/2026). Collection method: clinical testing. Allele origin: germline.
Comment: The c.689G>A variant in GLB1 is a missense variant predicted to cause substitution of cysteine to tyrosine at amino acid 230. This variant is rare in the general population with a frequency below the threshold expected for the associated phenotype(s). This variant has been observed in one or more individuals affected with the associated recessive disease, as either homozygous or compound heterozygous with a second variant (PMID: 16314480). Functional studies show that this variant may disrupt protein function (PMID: 16314480). Computational prediction algorithms indicate this variant is likely to affect gene or protein function. Given the available evidence, this variant is classified as Likely Pathogenic.

Literature cited by the submitters: PubMed 16314480.

NM_000404.4(GLB1):c.689G>A (p.Cys230Tyr)

Gene: GLB1 (galactosidase beta 1; minus strand). Cytogenetic location: 3p22.3.
Variant type: single nucleotide variant.
Coding change: c.689G>A on transcript NM_000404.4 (MANE Select); coding-DNA position 689, G replaced by A.
Protein change: p.Cys230Tyr; replaces cysteine 230 with tyrosine.
Molecular consequence: missense variant. On other transcripts: intron variant (1).
Genome position (GRCh38, 1-based): chr3:33,058,133, C>T on the plus strand (G>A on the coding strand, the complement: GLB1 is on the minus strand). VCF-style: chr3-33058133-C-T. GRCh37 (hg19) VCF-style: chr3-33099625-C-T.
Other names: c.599G>A, p.Cys200Tyr (NM_001079811.3); c.833G>A, p.Cys278Tyr (NM_001317040.2); c.689G>A, p.Cys230Tyr (NM_001393580.1); c.341-4584G>A (NM_001135602.3); short protein forms C200Y, C230Y, C278Y.
Identifiers: ClinVar variation 4818323 (VCV004818323.1).
Genomic context (GRCh38, chr3:33,058,133, plus strand): 5'-TACTACAAACACCAACCTGTTCCAAAGTCCACCGTGGTGTAGAGGCCCTGCAGGGCCCCA[C>T]ATTTCAGGAATGTTTTATGTGCTCCATCAGTGGTAAACAGAACCACATCATCCCCCAGAT-3'
Protein context (NP_000395.3, residues 220-240): TDGAHKTFLK[Cys230Tyr]GALQGLYTTV